The following is an entry in ClinVar:

NM_001256447.2(BCAP31):c.91A>T (p.Arg31Ter)

Gene: BCAP31 (B cell receptor associated protein 31; minus strand). Cytogenetic location: Xq28.
Variant type: single nucleotide variant.
Coding change: c.91A>T on transcript NM_001256447.2 (MANE Select); coding-DNA position 91, A replaced by T.
Protein change: p.Arg31Ter; replaces arginine 31 with a stop codon.
Molecular consequence: nonsense.
Genome position (GRCh38, 1-based): chrX:153,723,154, T>A on the plus strand (A>T on the coding strand, the complement: BCAP31 is on the minus strand). VCF-style: chrX-153723154-T-A. GRCh37 (hg19) VCF-style: chrX-152988609-T-A.
Other names: c.292A>T, p.Arg98Ter (NM_001139457.2); c.91A>T, p.Arg31Ter (NM_005745.8, NM_001139441.1); short protein forms R31*, R98*.
Identifiers: ClinVar variation 620572 (VCV000620572.1), dbSNP rs1569540524, ClinGen allele CA415095947.

ClinVar aggregate classification (germline): Pathogenic (1 of 4 stars; one submission).

Submission:

GeneDx
Classification: Pathogenic. Last evaluated: 2019-01-31. Review status: criteria provided, single submitter. Criteria: GeneDx Variant Classification (06012015). Collection method: clinical testing. Allele origin: germline. Affected: yes.
Comment: The R31X variant in the BCAP31 gene has not been reported previously as a pathogenic variant nor as a benign variant, to our knowledge. This variant is predicted to cause loss of normal protein function either through protein truncation or nonsense-mediated mRNA decay. The R31X variant is not observed in large population cohorts (Lek et al., 2016). We interpret R31X as a pathogenic variant.